The following is an entry in ClinVar:

NM_032578.4(MYPN):c.638T>C (p.Ile213Thr)

Gene: MYPN (myopalladin; plus strand). Cytogenetic location: 10q21.3.
Variant type: single nucleotide variant.
Coding change: c.638T>C on transcript NM_032578.4 (MANE Select); coding-DNA position 638, T replaced by C.
Protein change: p.Ile213Thr; replaces isoleucine 213 with threonine.
Molecular consequence: missense variant. On other transcripts: 5 prime UTR variant (1), non-coding transcript variant (1).
Genome position (GRCh38, 1-based): chr10:68,122,076, T>C. VCF-style: chr10-68122076-T-C. GRCh37 (hg19) VCF-style: chr10-69881833-T-C.
Other names: c.638T>C, p.Ile213Thr (NM_001256267.2); c.-485T>C (NM_001256268.2); short protein forms I213T.
Identifiers: ClinVar variation 1753231 (VCV001753231.2), dbSNP rs2042251981, ClinGen allele CA377104799.

ClinVar aggregate classification (germline): Uncertain significance (1 of 4 stars; one submission).

Conditions:
Cardiovascular phenotype. Identifiers: MedGen CN230736.

Submission:

Ambry Genetics
Classification: Uncertain significance for Cardiovascular phenotype. Last evaluated: 2020-04-29. Review status: criteria provided, single submitter. Criteria: Ambry Variant Classification Scheme 2023. Collection method: clinical testing. Allele origin: germline.
Comment: The p.I213T variant (also known as c.638T>C), located in coding exon 1 of the MYPN gene, results from a T to C substitution at nucleotide position 638. The isoleucine at codon 213 is replaced by threonine, an amino acid with similar properties. An alteration at the same amino acid position (p.I213V, c.637A>G) was reported in one individual with dilated cardiomyopathy, who also carried p.A882T (c.2644G>A, historically known as c.2546G>A) in MYPN and p.W816G (c.2447T>G) in MYH7 (Purevjav E et al. Hum. Mol. Genet., 2012 May;21:2039-53). This amino acid position is well conserved in available vertebrate species. In addition, this alteration is predicted to be tolerated by in silico analysis. Since supporting evidence is limited at this time, the clinical significance of this alteration remains unclear.